The following is an entry in ClinVar:

ClinVar aggregate classification (germline): Pathogenic/Likely pathogenic. Review status: criteria provided, multiple submitters, no conflicts (2 of 4 stars). 3 submissions from 3 submitters: Pathogenic (1); Likely pathogenic (2). Last evaluated 2023-11-28.

Conditions:
Muscular dystrophy, limb-girdle, autosomal dominant 4. Also called: MUSCULAR DYSTROPHY, LIMB-GIRDLE, TYPE 1I; Calpain-3-related limb-girdle muscular dystrophy D4. Identifiers: Orphanet 565909, MedGen C4748295, MONDO:0029133, OMIM 618129.
CAPN3-related disorder. Also called: CAPN3-related condition; CAPN3-related disorders. Identifiers: MedGen CN239245.
Autosomal recessive limb-girdle muscular dystrophy type 2A (LGMDR1). Also called: LEYDEN-MOEBIUS MUSCULAR DYSTROPHY; MUSCULAR DYSTROPHY, PELVOFEMORAL; Muscular dystrophy, limb-girdle, type 2A, Amish; Calpainopathy; Limb-girdle muscular dystrophy, type 2A. Identifiers: Orphanet 267, MedGen C1869123, MONDO:0009675, OMIM 253600. Disease mechanism: loss of function.

Submissions (3):

Baylor Genetics
Classification: Likely pathogenic for Muscular dystrophy, limb-girdle, autosomal dominant 4. Last evaluated: 2023-11-28. Review status: criteria provided, single submitter. Criteria: ACMG Guidelines, 2015. Collection method: clinical testing. Allele origin: unknown.

Labcorp Genetics (formerly Invitae), Labcorp
Classification: Pathogenic for Autosomal recessive limb-girdle muscular dystrophy type 2A. Last evaluated: 2023-03-21. Review status: criteria provided, single submitter. Criteria: Invitae Variant Classification Sherloc (09022015). Collection method: clinical testing. Allele origin: germline.
Comment: ClinVar contains an entry for this variant (Variation ID: 864339). For these reasons, this variant has been classified as Pathogenic. This variant has not been reported in the literature in individuals affected with CAPN3-related conditions. This variant is not present in population databases (gnomAD no frequency). This sequence change creates a premature translational stop signal (p.Ser744Alafs*32) in the CAPN3 gene. It is expected to result in an absent or disrupted protein product. Loss-of-function variants in CAPN3 are known to be pathogenic (PMID: 10330340, 15689361).

Blueprint Genetics
Classification: Likely pathogenic for CAPN3-related disorders. Last evaluated: 2020-03-15. Review status: criteria provided, single submitter. Criteria: ACMG Guidelines, 2015. Collection method: clinical testing. Allele origin: germline. Affected: yes. Observed: 1 variant allele.

Literature cited by the submitters: PubMed 10330340 (cited by Labcorp Genetics (formerly Invitae), Labcorp); PubMed 15689361 (cited by Labcorp Genetics (formerly Invitae), Labcorp).

NM_000070.3(CAPN3):c.2230del (p.Ser744fs)

Gene: CAPN3 (calpain 3; plus strand). Cytogenetic location: 15q15.1.
Variant type: Deletion.
Coding change: c.2230del on transcript NM_000070.3 (MANE Select); coding-DNA position 2230, one base deleted (A; older notation c.2230delA).
Protein change: p.Ser744fs; shifts the reading frame from serine 744.
Molecular consequence: frameshift variant.
Genome position (GRCh38, 1-based): chr15:42,410,633, A deleted. VCF-style (leftmost placement, unchanged base first): chr15-42410632-CA-C. GRCh37 (hg19) VCF-style: chr15-42702830-CA-C.
Other names: c.2212del, p.Ser738fs (NM_024344.2); c.1954del, p.Ser652fs (NM_173087.2); c.694del, p.Ser232fs (NM_173088.2); c.235del, p.Ser79fs (NM_173089.2, NM_173090.2); short protein forms S232fs, S652fs, S79fs, S738fs, S744fs.
Identifiers: ClinVar variation 864339 (VCV000864339.8), dbSNP rs2054186817, ClinGen allele CA916083417.
Genomic context (GRCh38, chr15:42,410,632, plus strand): 5'-AATTTTCTATTGCCAGAAAATTTTCAAACACTATGACACAGACCAGTCCGGCACCATCAA[CA>C]GCTACGAGATGCGAAATGCAGTCAACGACGCAGGTGCTGAGAAGGAAGGGGTGGCAGGGA-3'